The following is an entry in ClinVar:

NM_001370298.3(FGD4):c.1502G>C (p.Arg501Thr)

Gene: FGD4 (FYVE, RhoGEF and PH domain containing 4; plus strand). Cytogenetic location: 12p11.21.
Variant type: single nucleotide variant.
Coding change: c.1502G>C on transcript NM_001370298.3 (MANE Select); coding-DNA position 1502, G replaced by C.
Protein change: p.Arg501Thr; replaces arginine 501 with threonine.
Molecular consequence: missense variant.
Genome position (GRCh38, 1-based): chr12:32,608,054, G>C. VCF-style: chr12-32608054-G-C. GRCh37 (hg19) VCF-style: chr12-32760988-G-C.
Other names: c.1346G>C, p.Arg449Thr (NM_001304481.2); c.347G>C, p.Arg116Thr (NM_001304483.2); c.59G>C, p.Arg20Thr (NM_001304484.2); c.812G>C, p.Arg271Thr (NM_001330373.2, NM_001330374.2, NM_001384130.1); c.539G>C, p.Arg180Thr (NM_001370297.1); c.1502G>C, p.Arg501Thr (NM_001384126.1); c.1091G>C, p.Arg364Thr (NM_001384127.1, NM_001384128.1, NM_001385118.1 and 1 more transcripts); short protein forms R449T, R364T, R271T, R116T, R20T, R180T, R501T.
Identifiers: ClinVar variation 579349 (VCV000579349.11), dbSNP rs755934741, ClinGen allele CA6506794.
Genomic context (GRCh38, chr12:32,608,054, plus strand): 5'-ACATGCTAGAACCTGTTCAGCGGATTCCCCGGTATGAGATGCTCCTTAAGGACTATCTAA[G>C]GAAATTGCCTCCTGATTCCCTGGACTGGAATGATGCTAAAAGTAAATGCTTTTTTTTTGT-3'
Protein context (NP_001357227.2, residues 491-511): RYEMLLKDYL[Arg501Thr]KLPPDSLDWN

ClinVar aggregate classification (germline): Uncertain significance. Review status: criteria provided, multiple submitters, no conflicts (2 of 4 stars). 3 submissions from 3 submitters: Uncertain significance (3). Last evaluated 2025-09-15.

Conditions:
Inborn genetic diseases. Identifiers: MedGen C0950123, MeSH D030342.
Charcot-Marie-Tooth disease. Also called: Charcot-Marie-Tooth Neuropathy; Charcot-Marie-Tooth Hereditary Neuropathy. Identifiers: Orphanet 166, MedGen C0007959, MONDO:0015626.
Charcot-Marie-Tooth disease type 4. Also called: Charcot-Marie-Tooth disease, type IV; Charcot-Marie-Tooth, Type 4. Identifiers: Orphanet 64749, MedGen C4082197, MONDO:0018995.

Allele frequency attached by ClinVar (database versions not stated): TOPMed below 0.00001; gnomAD 0.00001; ExAC 0.00002; gnomAD exomes 0.00002 and 0.00003.
gnomAD v4.1: 48 of 1,614,054 alleles (0.003%); highest among the groups gnomAD compares: Non-Finnish European, 0.004%; no homozygotes.

Submissions (3):

Labcorp Genetics (formerly Invitae), Labcorp
Classification: Uncertain significance for Charcot-Marie-Tooth disease type 4. Last evaluated: 2025-09-15. Review status: criteria provided, single submitter. Criteria: Invitae Variant Classification Sherloc (09022015). Collection method: clinical testing. Allele origin: germline.
Comment: This sequence change replaces arginine, which is basic and polar, with threonine, which is neutral and polar, at codon 364 of the FGD4 protein (p.Arg364Thr). This variant is present in population databases (rs755934741, gnomAD 0.004%). This missense change has been observed in individual(s) with clinical features of Charcot-Marie-Tooth disease (PMID: 32376792). ClinVar contains an entry for this variant (Variation ID: 579349). Invitae Evidence Modeling of protein sequence and biophysical properties (such as structural, functional, and spatial information, amino acid conservation, physicochemical variation, residue mobility, and thermodynamic stability) indicates that this missense variant is not expected to disrupt FGD4 protein function with a negative predictive value of 80%. In summary, the available evidence is currently insufficient to determine the role of this variant in disease. Therefore, it has been classified as a Variant of Uncertain Significance.

Ambry Genetics
Classification: Uncertain significance for Inborn genetic diseases. Last evaluated: 2021-10-05. Review status: criteria provided, single submitter. Criteria: Ambry Variant Classification Scheme 2023. Collection method: clinical testing. Allele origin: germline.
Comment: The p.R364T variant (also known as c.1091G>C), located in coding exon 6 of the FGD4 gene, results from a G to C substitution at nucleotide position 1091. The arginine at codon 364 is replaced by threonine, an amino acid with similar properties. This amino acid position is not well conserved in available vertebrate species. In addition, this alteration is predicted to be tolerated by in silico analysis. Since supporting evidence is limited at this time, the clinical significance of this alteration remains unclear.

Molecular Genetics Laboratory, London Health Sciences Centre
Classification: Uncertain significance for Charcot-Marie-Tooth disease. Review status: criteria provided, single submitter. Criteria: ACMG Guidelines, 2015. Collection method: clinical testing. Allele origin: germline. Affected: yes.

Literature cited by the submitters: PubMed 32376792 (cited by Labcorp Genetics (formerly Invitae), Labcorp).